The following is an entry in ClinVar:

ClinVar aggregate classification (germline): Uncertain significance. Review status: criteria provided, multiple submitters, no conflicts (2 of 4 stars). 4 submissions from 4 submitters: Uncertain significance (4). Last evaluated 2025-12-23.

Conditions:
Hereditary cancer-predisposing syndrome. Also called: Neoplastic Syndromes, Hereditary; Tumor predisposition; Hereditary Cancer Syndrome; Hereditary neoplastic syndrome. Identifiers: Orphanet 140162, MedGen C0027672, MeSH D009386, MONDO:0015356.
Breast-ovarian cancer, familial, susceptibility to, 4. Identifiers: Orphanet 145, MedGen C3280345, MONDO:0013669, OMIM 614291.

Submissions (4):

Labcorp Genetics (formerly Invitae), Labcorp
Classification: Uncertain significance for Breast-ovarian cancer, familial, susceptibility to, 4. Last evaluated: 2025-12-23. Review status: criteria provided, single submitter. Criteria: Invitae Variant Classification Sherloc (09022015). Collection method: clinical testing. Allele origin: germline.
Comment: This sequence change replaces threonine, which is neutral and polar, with proline, which is neutral and non-polar, at codon 209 of the RAD51D protein (p.Thr209Pro). This variant is not present in population databases (gnomAD no frequency). This variant has not been reported in the literature in individuals affected with RAD51D-related conditions. ClinVar contains an entry for this variant (Variation ID: 484765). Invitae Evidence Modeling of protein sequence and biophysical properties (such as structural, functional, and spatial information, amino acid conservation, physicochemical variation, residue mobility, and thermodynamic stability) indicates that this missense variant is not expected to disrupt RAD51D protein function with a negative predictive value of 80%. In summary, the available evidence is currently insufficient to determine the role of this variant in disease. Therefore, it has been classified as a Variant of Uncertain Significance.

Ambry Genetics
Classification: Uncertain significance for Hereditary cancer-predisposing syndrome. Last evaluated: 2025-05-02. Review status: criteria provided, single submitter. Criteria: Ambry Variant Classification Scheme 2023. Collection method: clinical testing. Allele origin: germline.
Comment: The p.T209P variant (also known as c.625A>C), located in coding exon 7 of the RAD51D gene, results from an A to C substitution at nucleotide position 625. The threonine at codon 209 is replaced by proline, an amino acid with highly similar properties. This amino acid position is not well conserved in available vertebrate species. In addition, the in silico prediction for this alteration is inconclusive. Since supporting evidence is limited at this time, the clinical significance of this alteration remains unclear.

Color Diagnostics, LLC DBA Color Health
Classification: Uncertain significance for Hereditary cancer-predisposing syndrome. Last evaluated: 2024-03-06. Review status: criteria provided, single submitter. Criteria: ACMG Guidelines, 2015. Collection method: clinical testing. Allele origin: germline.
Comment: This missense variant replaces threonine with proline at codon 209 of the RAD51D protein. Computational prediction suggests that this variant may not impact protein structure and function (internally defined REVEL score threshold <= 0.5, PMID: 27666373). To our knowledge, functional studies have not been reported for this variant. This variant has not been reported in individuals affected with RAD51D-related disorders in the literature. This variant has not been identified in the general population by the Genome Aggregation Database (gnomAD). The available evidence is insufficient to determine the role of this variant in disease conclusively. Therefore, this variant is classified as a Variant of Uncertain Significance.

Baylor Genetics
Classification: Uncertain significance for Breast-ovarian cancer, familial, susceptibility to, 4. Last evaluated: 2023-10-11. Review status: criteria provided, single submitter. Criteria: ACMG Guidelines, 2015. Collection method: clinical testing. Allele origin: unknown.

NM_002878.4(RAD51D):c.625A>C (p.Thr209Pro)

Genes: RAD51L3-RFFL (RAD51L3-RFFL readthrough; minus strand), RAD51D (RAD51 paralog D; minus strand). Cytogenetic location: 17q12.
Variant type: single nucleotide variant.
Coding change: c.625A>C on transcript NM_002878.4 (MANE Select); coding-DNA position 625, A replaced by C.
Protein change: p.Thr209Pro; replaces threonine 209 with proline.
Molecular consequence: missense variant. On other transcripts: non-coding transcript variant (3).
Genome position (GRCh38, 1-based): chr17:35,103,496, T>G on the plus strand (A>C on the coding strand, the complement: RAD51D is on the minus strand). VCF-style: chr17-35103496-T-G. GRCh37 (hg19) VCF-style: chr17-33430515-T-G.
Other names: c.685A>C, p.Thr229Pro (NM_001142571.2); c.289A>C, p.Thr97Pro (NM_133629.3); short protein forms T209P, T229P, T97P.
Identifiers: ClinVar variation 484765 (VCV000484765.16), dbSNP rs1555567603, ClinGen allele CA399087908.